The following is an entry in ClinVar:

NM_000094.4(COL7A1):c.7939G>A (p.Gly2647Ser)

Gene: COL7A1 (collagen type VII alpha 1 chain; minus strand). Cytogenetic location: 3p21.31.
Variant type: single nucleotide variant.
Coding change: c.7939G>A on transcript NM_000094.4 (MANE Select); coding-DNA position 7939, G replaced by A.
Protein change: p.Gly2647Ser; replaces glycine 2647 with serine.
Molecular consequence: missense variant.
Genome position (GRCh38, 1-based): chr3:48,567,754, C>T on the plus strand (G>A on the coding strand, the complement: COL7A1 is on the minus strand). VCF-style: chr3-48567754-C-T. GRCh37 (hg19) VCF-style: chr3-48605187-C-T.
Other names: short protein forms G2647S.
Identifiers: ClinVar variation 1436406 (VCV001436406.10), dbSNP rs749788045, ClinGen allele CA2378237.

ClinVar aggregate classification (germline): Conflicting classifications of pathogenicity. Review status: criteria provided, conflicting classifications (1 of 4 stars). 3 submissions from 3 submitters: Likely pathogenic (2); Uncertain significance (1). Last evaluated 2026-04-14.

Conditions:
Generalized dominant dystrophic epidermolysis bullosa (DDEB). Also called: Dominant DEB (DDEB); DDEB, generalized; DDEB-gen; DYSTROPHIC EPIDERMOLYSIS BULLOSA, AUTOSOMAL DOMINANT; Epidermolysis bullosa dystrophica, autosomal dominant. Identifiers: Orphanet 231568, MedGen C0432322, MONDO:0007549, OMIM 131750.
Transient bullous dermolysis of the newborn (TBDN). Also called: DYSTROPHIC EPIDERMOLYSIS BULLOSA, NEONATAL; EPIDERMOLYSIS BULLOSA DYSTROPHICA, NEONATAL FORM. Identifiers: Orphanet 79411, MedGen C1851573, MONDO:0007548, OMIM 131705.
Recessive dystrophic epidermolysis bullosa (RDEB). Also called: Recessive DEB (RDEB); DYSTROPHIC EPIDERMOLYSIS BULLOSA, AUTOSOMAL RECESSIVE; EPIDERMOLYSIS BULLOSA DYSTROPHICA, HALLOPEAU-SIEMENS TYPE; severe generalized recessive dystrophic epidermolysis bullosa; Hallopeau-Siemens Disease; Epidermolysis Bullosa Distrophica Autosomal Recessive (RDEB). Identifiers: Orphanet 79408, Orphanet 79409, MedGen C0079474, MONDO:0009179, OMIM 226600.
Nonsyndromic congenital nail disorder 8. Also called: TOENAIL DYSTROPHY, ISOLATED. Identifiers: MedGen C1843761, MONDO:0011852, OMIM 607523.
Epidermolysis bullosa pruriginosa. Also called: DEB, PRURIGINOSA; DYSTROPHIC EPIDERMOLYSIS BULLOSA PRURIGINOSA. Identifiers: Orphanet 89843, MedGen C1275114, MONDO:0011398, OMIM 604129.
Pretibial dystrophic epidermolysis bullosa. Also called: EPIDERMOLYSIS BULLOSA DYSTROPHICA, PRETIBIAL; Pretibial epidermolysis bullosa; Pretibial blistering. Identifiers: Orphanet 79410, MedGen C0432321, MONDO:0007552, OMIM 131850, HP:0012221.
Dominant dystrophic epidermolysis bullosa with absence of skin. Also called: EPIDERMOLYSIS BULLOSA WITH CONGENITAL LOCALIZED ABSENCE OF SKIN AND DEFORMITY OF NAILS; EPIDERMOLYSIS BULLOSA DYSTROPHICA, BART TYPE. Identifiers: MedGen C0268371, MONDO:0007557, OMIM 132000.

Allele frequency attached by ClinVar (database versions not stated): gnomAD exomes 0.00001 and 0.00003; TOPMed 0.00001; ExAC 0.00002.
gnomAD v4.1: 6 of 1,614,180 alleles (0.00037%); highest among the groups gnomAD compares: Admixed American, 0.01%; no homozygotes.

Submissions (3):

Myriad Genetics, Inc.
Classification: Uncertain significance for Recessive dystrophic epidermolysis bullosa. Last evaluated: 2026-04-14. Review status: criteria provided, single submitter. Criteria: Myriad Autosomal Dominant, Autosomal Recessive and X-Linked Classification Criteria (2023). Collection method: clinical testing. Allele origin: unknown.
Comment: NM_000094.3(COL7A1):c.7939G>A(G2647S) is a missense variant classified as a variant of uncertain significance in the context of dystrophic epidermolysis bullosa. G2647S has not been observed in cases with relevant disease. Relevant functional assessments of this variant are not available in the literature. Internal structural analysis of the variant is supportive of pathogenicity. G2647S has been observed in referenced population frequency databases. In summary, there is insufficient evidence to classify NM_000094.3(COL7A1):c.7939G>A(G2647S) as pathogenic or benign. Please note: this variant was assessed in the context of healthy population screening.

Labcorp Genetics (formerly Invitae), Labcorp
Classification: Likely pathogenic. Last evaluated: 2025-12-16. Review status: criteria provided, single submitter. Criteria: Invitae Variant Classification Sherloc (09022015). Collection method: clinical testing. Allele origin: germline.
Comment: This sequence change replaces glycine, which is neutral and non-polar, with serine, which is neutral and polar, at codon 2647 of the COL7A1 protein (p.Gly2647Ser). This variant is present in population databases (rs749788045, gnomAD 0.02%). This variant has not been reported in the literature in individuals affected with COL7A1-related conditions. ClinVar contains an entry for this variant (Variation ID: 1436406). Invitae Evidence Modeling of protein sequence and biophysical properties (such as structural, functional, and spatial information, amino acid conservation, physicochemical variation, residue mobility, and thermodynamic stability) indicates that this missense variant is expected to disrupt COL7A1 protein function with a positive predictive value of 95%. This variant disrupts the triple helix domain of COL7A1. Glycine residues within the Gly-Xaa-Yaa repeats of the triple helix domain are required for the structure and stability of fibrillar collagens (PMID: 7695699, 8218237, 19344236), and variants at these glycine residues in COL7A1 are more frequently observed in individuals with disease than in the general population (PMID: 22058051). However, the clinical significance of this observation remains uncertain since only a limited number of affected individuals have been described to date. This variant disrupts the p.Gly2647 amino acid residue in COL7A1. Other variant(s) that disrupt this residue have been determined to be pathogenic (PMID: 32484238). This suggests that this residue is clinically significant, and that variants that disrupt this residue are likely to be disease-causing. In summary, the currently available evidence indicates that the variant is pathogenic, but additional data are needed to prove that conclusively. Therefore, this variant has been classified as Likely Pathogenic.

Fulgent Genetics
Classification: Likely pathogenic for Transient bullous dermolysis of the newborn; Generalized dominant dystrophic epidermolysis bullosa; Pretibial dystrophic epidermolysis bullosa; Dominant dystrophic epidermolysis bullosa with absence of skin; Recessive dystrophic epidermolysis bullosa; Epidermolysis bullosa pruriginosa; Nonsyndromic congenital nail disorder 8. Last evaluated: 2024-02-19. Review status: criteria provided, single submitter. Criteria: ACMG Guidelines, 2015. Collection method: clinical testing. Allele origin: germline.

Literature cited by the submitters: PubMed 7695699 (cited by Labcorp Genetics (formerly Invitae), Labcorp); PubMed 8218237 (cited by Labcorp Genetics (formerly Invitae), Labcorp); PubMed 19344236 (cited by Labcorp Genetics (formerly Invitae), Labcorp); PubMed 22058051 (cited by Labcorp Genetics (formerly Invitae), Labcorp); PubMed 32484238 (cited by Labcorp Genetics (formerly Invitae), Labcorp).